The following is an entry in ClinVar:

ClinVar aggregate classification (germline): Likely pathogenic. Review status: criteria provided, single submitter (1 of 4 stars). 2 submissions from 2 submitters: Likely pathogenic (1). 1 of the submissions does not count toward it. Last evaluated 2023-01-25.

Conditions:
PKLR-related disorder. Also called: PKLR-related condition.

Allele frequency attached by ClinVar (database versions not stated): gnomAD exomes below 0.00001; TOPMed 0.00001.
gnomAD v4.1: 1 of 1,614,134 alleles (0.000062%); highest among the groups gnomAD compares: African/African-American, 0.0013%; no homozygotes.

Submissions (2):

Revvity Omics, Revvity
Classification: Likely pathogenic. Last evaluated: 2023-01-25. Review status: criteria provided, single submitter. Criteria: ACMG Guidelines, 2015. Collection method: clinical testing. Allele origin: germline.

PreventionGenetics, part of Exact Sciences
Classification: Likely pathogenic for PKLR-related condition. Last evaluated: 2023-12-12. Review status: no assertion criteria provided. Collection method: clinical testing. Allele origin: germline. Not counted in ClinVar's aggregate classification.
Comment: The PKLR c.602G>T variant is predicted to result in the amino acid substitution p.Trp201Leu. This variant has been reported along with a whole exon deletion in an individual with pyruvate kinase deficiency (Laas et al. 2021. PubMed ID: 33937978). A PK enzyme assay from this same patient showed a significant decrease in activity compared to unaffected controls. Alternate substitutions of this amino acid (p.Trp201Arg) have been reported in an individual with pyruvate kinase deficiency (Pissard et al. 2006. PubMed ID: 16704447). This variant has not been reported in a large population database, indicating this variant is rare. Given the evidence, we interpret this variant as likely pathogenic.

NM_000298.6(PKLR):c.602G>T (p.Trp201Leu)

Gene: PKLR (pyruvate kinase L/R; minus strand). Cytogenetic location: 1q22.
Variant type: single nucleotide variant.
Coding change: c.602G>T on transcript NM_000298.6 (MANE Select); coding-DNA position 602, G replaced by T.
Protein change: p.Trp201Leu; replaces tryptophan 201 with leucine.
Molecular consequence: missense variant.
Genome position (GRCh38, 1-based): chr1:155,295,208, C>A on the plus strand (G>T on the coding strand, the complement: PKLR is on the minus strand). VCF-style: chr1-155295208-C-A. GRCh37 (hg19) VCF-style: chr1-155264999-C-A.
Other names: c.509G>T, p.Trp170Leu (NM_181871.4); c.602G>T (NM_000298.5); short protein forms W170L, W201L.
Identifiers: ClinVar variation 2432731 (VCV002432731.5), dbSNP rs772473652, ClinGen allele CA30904174.